The following is an entry in ClinVar:

ClinVar aggregate classification (germline): Pathogenic. Review status: criteria provided, multiple submitters, no conflicts (2 of 4 stars). 3 submissions from 3 submitters: Pathogenic (3). Last evaluated 2023-12-30.

Conditions:
Cystic fibrosis (CF). Also called: MUCOVISCIDOSIS. Identifiers: Orphanet 586, MedGen C0010674, MONDO:0009061, OMIM 219700. Disease mechanism: loss of function.

Submissions (3):

Labcorp Genetics (formerly Invitae), Labcorp
Classification: Pathogenic for Cystic fibrosis. Last evaluated: 2023-12-30. Review status: criteria provided, single submitter. Criteria: Invitae Variant Classification Sherloc (09022015). Collection method: clinical testing. Allele origin: germline.
Comment: This sequence change creates a premature translational stop signal (p.Asn415*) in the CFTR gene. It is expected to result in an absent or disrupted protein product. Loss-of-function variants in CFTR are known to be pathogenic (PMID: 1695717, 7691345, 9725922). This variant is not present in population databases (gnomAD no frequency). This premature translational stop signal has been observed in individual(s) with cystic fibrosis (PMID: 32429104). This variant is also known as 1365del5. For these reasons, this variant has been classified as Pathogenic.

Women's Health and Genetics/Laboratory Corporation of America, LabCorp
Classification: Pathogenic for Cystic fibrosis. Last evaluated: 2023-11-06. Review status: criteria provided, single submitter. Criteria: LabCorp Variant Classification Summary - May 2015. Collection method: clinical testing. Allele origin: germline.
Comment: Variant summary: CFTR c.1243_1247delAACAA (p.Asn415X) results in a premature termination codon, predicted to cause absence of the protein due to nonsense mediated decay, a commonly known mechanism for disease. The variant was absent in 247414 control chromosomes (gnomAD). c.1243_1247delAACAA and a variant resulting in the same premature truncation have been reported in the literature in individuals affected with Cystic Fibrosis (e.g. Petrova_2020, Raraigh_2022). These data suggest the variant is very likely to be associated with disease. To our knowledge, no experimental evidence demonstrating an impact on protein function has been reported. The following publications have been ascertained in the context of this evaluation (PMID: 32429104, 34782259). Two submitters have cited clinical-significance assessments for this variant to ClinVar after 2014. Both submitters classified the variant as pathogenic. Based on the evidence outlined above, the variant was classified as pathogenic.

Institute of Human Genetics, University of Leipzig Medical Center
Classification: Pathogenic for Cystic fibrosis. Last evaluated: 2022-09-05. Review status: criteria provided, single submitter. Criteria: ACMG Guidelines, 2015. Collection method: curation. Allele origin: unknown. Affected: yes. Observed: 1 variant allele.
Comment: The variant was classified in the context of a project re-classifying variants in the German Cystic Fibrosis Registry (Muko.e.V.). Criteria applied: PVS1, PM3_STR, PM2_SUP, PP4

Literature cited by the submitters: PubMed 1695717 (cited by Labcorp Genetics (formerly Invitae), Labcorp); PubMed 7691345 (cited by Labcorp Genetics (formerly Invitae), Labcorp); PubMed 9725922 (cited by Labcorp Genetics (formerly Invitae), Labcorp); PubMed 32429104 (cited by Labcorp Genetics (formerly Invitae), Labcorp and Women's Health and Genetics/Laboratory Corporation of America, LabCorp); PubMed 34782259 (cited by Women's Health and Genetics/Laboratory Corporation of America, LabCorp).

NM_000492.4(CFTR):c.1243_1247del (p.Gln414_Asn415insTer)

Genes: CFTR (CF transmembrane conductance regulator; plus strand), CFTR-AS1 (CFTR antisense RNA 1; minus strand). Cytogenetic location: 7q31.2.
Variant type: Microsatellite.
Coding change: c.1243_1247del on transcript NM_000492.4 (MANE Select); coding-DNA positions 1243 to 1247, 5 bases deleted (AACAA; older notation c.1243_1247delAACAA).
Protein change: p.Gln414_Asn415insTer.
Molecular consequence: nonsense.
Genome position (GRCh38, 1-based): chr7:117,548,674-117,548,678, AACAA deleted; deleting any 5 consecutive bases within chr7:117,548,666-117,548,678 gives the same sequence; the c. name uses the placement nearest the transcript's 3' end. VCF-style (leftmost placement, unchanged base first): chr7-117548665-GCAAAA-G. GRCh37 (hg19) VCF-style: chr7-117188719-GCAAAA-G.
Other names: 1367del5; c.1240_1244delCAAAA (NM_000492.3); c.1243_1247delAACAA (NM_000492.4).
Identifiers: ClinVar variation 1457083 (VCV001457083.9), dbSNP rs397508184, ClinGen allele CA326445.